The following is an entry in ClinVar:

NM_004006.3(DMD):c.1467_1470del (p.Gln489fs)

Gene: DMD (dystrophin; minus strand). Cytogenetic location: Xp21.1.
Variant type: Deletion.
Coding change: c.1467_1470del on transcript NM_004006.3 (MANE Select); coding-DNA positions 1467 to 1470, 4 bases deleted (AGTA; older notation c.1467_1470delAGTA).
Protein change: p.Gln489fs; shifts the reading frame from glutamine 489.
Molecular consequence: frameshift variant.
Genome position (GRCh38, 1-based): chrX:32,614,315-32,614,318, TACT deleted on the plus strand (AGTA on the coding strand, the reverse complement: DMD is on the minus strand); deleting any 4 consecutive bases within chrX:32,614,315-32,614,319 gives the same sequence; the c. name uses the placement nearest the transcript's 3' end. VCF-style (leftmost placement, unchanged base first): chrX-32614314-GTACT-G. GRCh37 (hg19) VCF-style: chrX-32632431-GTACT-G.
Other names: c.1443_1446del, p.Gln481fs (NM_000109.4); c.1455_1458del, p.Gln485fs (NM_004009.3); c.1098_1101del, p.Gln366fs (NM_004010.3); short protein forms Q485fs, Q366fs, Q481fs, Q489fs.
Identifiers: ClinVar variation 2828256 (VCV002828256.3), dbSNP rs2519180310, ClinGen allele CA2739273383.

ClinVar aggregate classification (germline): Pathogenic (1 of 4 stars; one submission).

Conditions:
Duchenne muscular dystrophy (DMD). Also called: MUSCULAR DYSTROPHY, PSEUDOHYPERTROPHIC PROGRESSIVE, DUCHENNE TYPE; Duchenne Muscular Dystrophy (DMD). Identifiers: Orphanet 98896, MedGen C0013264, MONDO:0010679, OMIM 310200.

Submission:

Labcorp Genetics (formerly Invitae), Labcorp
Classification: Pathogenic for Duchenne muscular dystrophy. Last evaluated: 2023-01-13. Review status: criteria provided, single submitter. Criteria: Invitae Variant Classification Sherloc (09022015). Collection method: clinical testing. Allele origin: germline.
Comment: For these reasons, this variant has been classified as Pathogenic. This variant has not been reported in the literature in individuals affected with DMD-related conditions. This variant is not present in population databases (gnomAD no frequency). This sequence change creates a premature translational stop signal (p.Gln489Hisfs*11) in the DMD gene. It is expected to result in an absent or disrupted protein product. Loss-of-function variants in DMD are known to be pathogenic (PMID: 16770791, 25007885).

Literature cited by the submitters: PubMed 16770791; PubMed 25007885.